The following is an entry in ClinVar:

ClinVar aggregate classification (germline): Uncertain significance (1 of 4 stars; one submission).

Conditions:
SETBP1-related disorder. Also called: SETBP1-related condition; SETBP1-related disorders.

Submission:

PreventionGenetics, part of Exact Sciences
Classification: Uncertain significance for SETBP1-related condition. Last evaluated: 2022-12-10. Review status: criteria provided, single submitter. Criteria: ACMG Guidelines, 2015. Collection method: clinical testing. Allele origin: germline.
Comment: The SETBP1 c.1466T>C variant is predicted to result in the amino acid substitution p.Val489Ala. To our knowledge, this variant has not been reported in the literature or in a large population database, indicating this variant is rare. At this time, the clinical significance of this variant is uncertain due to the absence of conclusive functional and genetic evidence.

NM_015559.3(SETBP1):c.1466T>C (p.Val489Ala)

Gene: SETBP1 (SET binding protein 1; plus strand). Cytogenetic location: 18q12.3.
Variant type: single nucleotide variant.
Coding change: c.1466T>C on transcript NM_015559.3 (MANE Select); coding-DNA position 1466, T replaced by C.
Protein change: p.Val489Ala; replaces valine 489 with alanine.
Molecular consequence: missense variant.
Genome position (GRCh38, 1-based): chr18:44,950,806, T>C. VCF-style: chr18-44950806-T-C. GRCh37 (hg19) VCF-style: chr18-42530771-T-C.
Other names: c.1466T>C, p.Val489Ala (NM_001379141.1, NM_001379142.1, NM_001410862.1); short protein forms V489A.
Identifiers: ClinVar variation 2635425 (VCV002635425.1), dbSNP rs2511467759, ClinGen allele CA402318594.